The following is an entry in ClinVar:

NM_006206.6(PDGFRA):c.3004G>T (p.Asp1002Tyr)

Gene: PDGFRA (platelet derived growth factor receptor alpha; plus strand). Cytogenetic location: 4q12.
Variant type: single nucleotide variant.
Coding change: c.3004G>T on transcript NM_006206.6 (MANE Select); coding-DNA position 3004, G replaced by T.
Protein change: p.Asp1002Tyr; replaces aspartic acid 1002 with tyrosine.
Molecular consequence: missense variant.
Genome position (GRCh38, 1-based): chr4:54,290,436, G>T. VCF-style: chr4-54290436-G-T. GRCh37 (hg19) VCF-style: chr4-55156603-G-T.
Other names: c.3079G>T, p.Asp1027Tyr (NM_001347828.2); c.3004G>T, p.Asp1002Tyr (NM_001347829.2); c.3043G>T, p.Asp1015Tyr (NM_001347830.2); short protein forms D1002Y, D1015Y, D1027Y.
Identifiers: ClinVar variation 41799 (VCV000041799.6), dbSNP rs200676118, ClinGen allele CA215868.

ClinVar aggregate classification (germline): Uncertain significance. Review status: criteria provided, multiple submitters, no conflicts (2 of 4 stars). 3 submissions from 3 submitters: Uncertain significance (2). 1 of the submissions does not count toward it. Last evaluated 2025-03-03.

Conditions:
Gastrointestinal stromal tumor. Also called: Gastrointestinal stromal tumor, somatic; Gastrointestinal stroma tumor. Identifiers: Orphanet 44890, MedGen C0238198, MeSH D046152, MONDO:0011719, OMIM 606764, HP:0100723.
Hereditary cancer-predisposing syndrome. Also called: Hereditary Cancer Syndrome; Tumor predisposition; Neoplastic Syndromes, Hereditary; Hereditary neoplastic syndrome. Identifiers: Orphanet 140162, MedGen C0027672, MeSH D009386, MONDO:0015356.

Allele frequency attached by ClinVar (database versions not stated): TOPMed below 0.00001; gnomAD 0.00001; gnomAD exomes below 0.00001.
gnomAD v4.1: 2 of 1,614,020 alleles (0.00012%); highest among the groups gnomAD compares: Non-Finnish European, 0.00017%; no homozygotes.

Submissions (3):

Ambry Genetics
Classification: Uncertain significance for Hereditary cancer-predisposing syndrome. Last evaluated: 2025-03-03. Review status: criteria provided, single submitter. Criteria: Ambry Variant Classification Scheme 2023. Collection method: clinical testing. Allele origin: germline.
Comment: The p.D1002Y variant (also known as c.3004G>T), located in coding exon 21 of the PDGFRA gene, results from a G to T substitution at nucleotide position 3004. The aspartic acid at codon 1002 is replaced by tyrosine, an amino acid with highly dissimilar properties. This amino acid position is well conserved in available vertebrate species. In addition, the in silico prediction for this alteration is inconclusive. Based on the available evidence, the clinical significance of this variant remains unclear.

Labcorp Genetics (formerly Invitae), Labcorp
Classification: Uncertain significance for Gastrointestinal stromal tumor. Last evaluated: 2022-11-01. Review status: criteria provided, single submitter. Criteria: Invitae Variant Classification Sherloc (09022015). Collection method: clinical testing. Allele origin: germline.
Comment: This sequence change replaces aspartic acid, which is acidic and polar, with tyrosine, which is neutral and polar, at codon 1002 of the PDGFRA protein (p.Asp1002Tyr). This variant is not present in population databases (gnomAD no frequency). This variant has not been reported in the literature in individuals affected with PDGFRA-related conditions. ClinVar contains an entry for this variant (Variation ID: 41799). Algorithms developed to predict the effect of missense changes on protein structure and function are either unavailable or do not agree on the potential impact of this missense change (SIFT: "Deleterious"; PolyPhen-2: "Possibly Damaging"; Align-GVGD: "Class C0"). In summary, the available evidence is currently insufficient to determine the role of this variant in disease. Therefore, it has been classified as a Variant of Uncertain Significance.

Biesecker Lab/Clinical Genomics Section, National Institutes of Health
Classification: Uncertain significance. Last evaluated: 2012-07-13. Review status: no assertion criteria provided. Collection method: research. Allele origin: germline. Affected: no. Observed: 1 variant allele. Study: ClinSeq. Not counted in ClinVar's aggregate classification.
ClinVar note: Converted during submission from variant of unknown significance to Uncertain significance.